The following is an entry in ClinVar:

ClinVar aggregate classification (germline): Uncertain significance (1 of 4 stars; one submission).

Conditions:
Vici syndrome (VICIS). Identifiers: Orphanet 1493, MedGen C1855772, MONDO:0009452, OMIM 242840.

Submission:

Labcorp Genetics (formerly Invitae), Labcorp
Classification: Uncertain significance for Vici syndrome. Last evaluated: 2022-11-01. Review status: criteria provided, single submitter. Criteria: Invitae Variant Classification Sherloc (09022015). Collection method: clinical testing. Allele origin: germline.
Comment: This sequence change replaces alanine, which is neutral and non-polar, with serine, which is neutral and polar, at codon 1632 of the EPG5 protein (p.Ala1632Ser). This variant is not present in population databases (gnomAD no frequency). In summary, the available evidence is currently insufficient to determine the role of this variant in disease. Therefore, it has been classified as a Variant of Uncertain Significance. Advanced modeling of protein sequence and biophysical properties (such as structural, functional, and spatial information, amino acid conservation, physicochemical variation, residue mobility, and thermodynamic stability) performed at Invitae indicates that this missense variant is not expected to disrupt EPG5 protein function. This variant has not been reported in the literature in individuals affected with EPG5-related conditions.

NM_020964.3(EPG5):c.4894G>T (p.Ala1632Ser)

Gene: EPG5 (ectopic P-granules 5 autophagy tethering factor; minus strand). Cytogenetic location: 18q12.3.
Variant type: single nucleotide variant.
Coding change: c.4894G>T on transcript NM_020964.3 (MANE Select); coding-DNA position 4894, G replaced by T.
Protein change: p.Ala1632Ser; replaces alanine 1632 with serine.
Molecular consequence: missense variant.
Genome position (GRCh38, 1-based): chr18:45,889,856, C>A on the plus strand (G>T on the coding strand, the complement: EPG5 is on the minus strand). VCF-style: chr18-45889856-C-A. GRCh37 (hg19) VCF-style: chr18-43469821-C-A.
Other names: c.4894G>T, p.Ala1632Ser (NM_001410858.1, NM_001410859.1); short protein forms A1632S.
Identifiers: ClinVar variation 2113137 (VCV002113137.4), dbSNP rs2511640648, ClinGen allele CA402346926.